The following is an entry in ClinVar:

NM_000059.4(BRCA2):c.8331+1715del

Gene: BRCA2 (BRCA2 DNA repair associated; plus strand). Cytogenetic location: 13q13.1.
Variant type: Deletion.
Coding change: c.8331+1715del on transcript NM_000059.4 (MANE Select); 1715 bases into the intron after coding-DNA position 8331, one base deleted (C; older notation c.8331+1715delC).
Molecular consequence: intron variant.
Genome position (GRCh38, 1-based): chr13:32,365,248, C deleted. VCF-style (leftmost placement, unchanged base first): chr13-32365247-AC-A. GRCh37 (hg19) VCF-style: chr13-32939384-AC-A.
Identifiers: ClinVar variation 264927 (VCV000264927.1), dbSNP rs550559376, ClinGen allele CA10588133.
Genomic context (GRCh38, chr13:32,365,247, plus strand): 5'-AGATGAGGTCTCCCTGTGTTGCCTAGGCTGGTCTTGAACTTCTGGGCTCAAACGGTCCTC[AC>A]GCTTTAGCCTCCGAGAGTGCTGGGATTACAGACATGAACCACTGTACCTGGCCTGCGGTG-3'

ClinVar aggregate classification (germline): Benign (3 of 4 stars; one submission).

Conditions:
Breast-ovarian cancer, familial, susceptibility to, 2 (BROVCA2). Also called: BRCA2 Hereditary Breast and Ovarian Cancer. Identifiers: Orphanet 145, MedGen C2675520, MONDO:0012933, OMIM 612555. Disease mechanism: loss of function.

Allele frequency attached by ClinVar (database versions not stated): TOPMed 0.00015; gnomAD 0.00017 and 0.00044; 1000 Genomes Project 30x 0.00172; 1000 Genomes Project 0.00200.

Submission:

Evidence-based Network for the Interpretation of Germline Mutant Alleles (ENIGMA)
Classification: Benign for Breast-ovarian cancer, familial, susceptibility to, 2. Last evaluated: 2016-09-28. Review status: reviewed by expert panel. Criteria: ENIGMA BRCA1/2 Classification Criteria (2015). Collection method: curation. Allele origin: germline.
Comment: Class 1 not pathogenic based on frequency >1% in an outbred sampleset. Frequency 0.0102 (South Asian), derived from 1000 genomes (2013-05-02).